The following is an entry in ClinVar:

NM_001123385.2(BCOR):c.847G>A (p.Ala283Thr)

Genes: BCOR (BCL6 corepressor; minus strand), LOC126863239 (MED14-independent group 3 enhancer GRCh37_chrX:39932994-39934193; plus strand). Cytogenetic location: Xp11.4.
Variant type: single nucleotide variant.
Coding change: c.847G>A on transcript NM_001123385.2 (MANE Select); coding-DNA position 847, G replaced by A.
Protein change: p.Ala283Thr; replaces alanine 283 with threonine.
Molecular consequence: missense variant.
Genome position (GRCh38, 1-based): chrX:40,074,499, C>T on the plus strand (G>A on the coding strand, the complement: BCOR is on the minus strand). VCF-style: chrX-40074499-C-T. GRCh37 (hg19) VCF-style: chrX-39933752-C-T.
Other names: c.847G>A, p.Ala283Thr (NM_001123383.2, NM_001123384.2, NM_017745.6); short protein forms A283T.
Identifiers: ClinVar variation 3911549 (VCV003911549.2).

ClinVar aggregate classification (germline): Conflicting classifications of pathogenicity. Review status: criteria provided, conflicting classifications (1 of 4 stars). 2 submissions from 2 submitters: Uncertain significance (1); Likely benign (1). Last evaluated 2026-01-25.

Conditions:
Oculofaciocardiodental syndrome (MCOPS2). Identifiers: Orphanet 2712, MedGen C1846265, MONDO:0010261, OMIM 300166.

gnomAD v4.1: 16 of 1,204,577 alleles (0.0013%); highest among the groups gnomAD compares: African/African-American, 0.016%; no homozygotes.

Submissions (2):

Labcorp Genetics (formerly Invitae), Labcorp
Classification: Uncertain significance for Oculofaciocardiodental syndrome. Last evaluated: 2026-01-25. Review status: criteria provided, single submitter. Criteria: Invitae Variant Classification Sherloc (09022015). Collection method: clinical testing. Allele origin: germline.
Comment: This sequence change replaces alanine, which is neutral and non-polar, with threonine, which is neutral and polar, at codon 283 of the BCOR protein (p.Ala283Thr). This variant is present in population databases (rs367848648, gnomAD 0.03%). This variant has not been reported in the literature in individuals affected with BCOR-related conditions. ClinVar contains an entry for this variant (Variation ID: 3911549). An algorithm developed to predict the effect of missense changes on protein structure and function outputs the following: PolyPhen-2: "Benign". The threonine amino acid residue is found in multiple mammalian species, which suggests that this missense change does not adversely affect protein function. In summary, the available evidence is currently insufficient to determine the role of this variant in disease. Therefore, it has been classified as a Variant of Uncertain Significance.

Laboratory of Genetics, Children's Clinical University Hospital Latvia
Classification: Likely benign. Last evaluated: 2025-02-16. Review status: criteria provided, single submitter. Criteria: ACMG Guidelines, 2015. Collection method: clinical testing. Allele origin: germline. Affected: yes.